The following is an entry in ClinVar:

NM_006033.4(LIPG):c.133G>A (p.Val45Ile)

Gene: LIPG (lipase G, endothelial type; plus strand). Cytogenetic location: 18q21.1.
Variant type: single nucleotide variant.
Coding change: c.133G>A on transcript NM_006033.4 (MANE Select); coding-DNA position 133, G replaced by A.
Protein change: p.Val45Ile; replaces valine 45 with isoleucine.
Molecular consequence: missense variant.
Genome position (GRCh38, 1-based): chr18:49,565,352, G>A. VCF-style: chr18-49565352-G-A. GRCh37 (hg19) VCF-style: chr18-47091722-G-A.
Other names: c.133G>A (NM_006033.2); c.133G>A, p.Val45Ile (NM_001308006.2); short protein forms V45I.
Identifiers: ClinVar variation 1391514 (VCV001391514.9), dbSNP rs767601561, ClinGen allele CA402417769.
Genomic context (GRCh38, chr18:49,565,352, plus strand): 5'-CCCACGCTCTGTTCTGTCTCCCCAGATAAGCTCCACAAACCCAAAGCTACACAGACTGAG[G>A]TCAAACCATCTGTGAGGTTTAACCTCCGCACCTCCAAGGACCCAGAGCATGAAGGATGCT-3'
Protein context (NP_006024.1, residues 35-55): LHKPKATQTE[Val45Ile]KPSVRFNLRT

ClinVar aggregate classification (germline): Uncertain significance. Review status: criteria provided, multiple submitters, no conflicts (2 of 4 stars). 2 submissions from 2 submitters: Uncertain significance (2). Last evaluated 2025-11-12.

gnomAD v4.1: 6 of 1,614,144 alleles (0.00037%); highest among the groups gnomAD compares: South Asian, 0.0033%; no homozygotes.

Submissions (2):

Ambry Genetics
Classification: Uncertain significance. Last evaluated: 2025-11-12. Review status: criteria provided, single submitter. Criteria: Ambry Variant Classification Scheme 2023. Collection method: clinical testing. Allele origin: germline.

Labcorp Genetics (formerly Invitae), Labcorp
Classification: Uncertain significance. Last evaluated: 2021-04-28. Review status: criteria provided, single submitter. Criteria: Invitae Variant Classification Sherloc (09022015). Collection method: clinical testing. Allele origin: germline.
Comment: In summary, the available evidence is currently insufficient to determine the role of this variant in disease. Therefore, it has been classified as a Variant of Uncertain Significance. Algorithms developed to predict the effect of missense changes on protein structure and function (SIFT, PolyPhen-2, Align-GVGD) all suggest that this variant is likely to be tolerated, but these predictions have not been confirmed by published functional studies and their clinical significance is uncertain. This variant has not been reported in the literature in individuals with LIPG-related conditions. This variant is not present in population databases (ExAC no frequency). This sequence change replaces valine with isoleucine at codon 45 of the LIPG protein (p.Val45Ile). The valine residue is weakly conserved and there is a small physicochemical difference between valine and isoleucine.